The following is an entry in ClinVar:

NM_002878.4(RAD51D):c.653G>C (p.Gly218Ala)

Genes: RAD51L3-RFFL (RAD51L3-RFFL readthrough; minus strand), RAD51D (RAD51 paralog D; minus strand). Cytogenetic location: 17q12.
Variant type: single nucleotide variant.
Coding change: c.653G>C on transcript NM_002878.4 (MANE Select); coding-DNA position 653, G replaced by C.
Protein change: p.Gly218Ala; replaces glycine 218 with alanine.
Molecular consequence: missense variant. On other transcripts: non-coding transcript variant (3).
Genome position (GRCh38, 1-based): chr17:35,103,468, C>G on the plus strand (G>C on the coding strand, the complement: RAD51D is on the minus strand). VCF-style: chr17-35103468-C-G. GRCh37 (hg19) VCF-style: chr17-33430487-C-G.
Other names: c.713G>C, p.Gly238Ala (NM_001142571.2); c.317G>C, p.Gly106Ala (NM_133629.3); short protein forms G218A, G106A, G238A.
Identifiers: ClinVar variation 2839100 (VCV002839100.3), dbSNP rs2091563809, ClinGen allele CA399087858.

ClinVar aggregate classification (germline): Uncertain significance (1 of 4 stars; one submission).

Conditions:
Breast-ovarian cancer, familial, susceptibility to, 4. Identifiers: Orphanet 145, MedGen C3280345, MONDO:0013669, OMIM 614291.

Submission:

Labcorp Genetics (formerly Invitae), Labcorp
Classification: Uncertain significance for Breast-ovarian cancer, familial, susceptibility to, 4. Last evaluated: 2023-02-20. Review status: criteria provided, single submitter. Criteria: Invitae Variant Classification Sherloc (09022015). Collection method: clinical testing. Allele origin: germline.
Comment: In summary, the available evidence is currently insufficient to determine the role of this variant in disease. Therefore, it has been classified as a Variant of Uncertain Significance. Advanced modeling of protein sequence and biophysical properties (such as structural, functional, and spatial information, amino acid conservation, physicochemical variation, residue mobility, and thermodynamic stability) performed at Invitae indicates that this missense variant is not expected to disrupt RAD51D protein function. This variant has not been reported in the literature in individuals affected with RAD51D-related conditions. This variant is not present in population databases (gnomAD no frequency). This sequence change replaces glycine, which is neutral and non-polar, with alanine, which is neutral and non-polar, at codon 218 of the RAD51D protein (p.Gly218Ala).